The following is an entry in ClinVar:

NM_000458.4(HNF1B):c.395A>T (p.His132Leu)

Gene: HNF1B (HNF1 homeobox B; minus strand). Cytogenetic location: 17q12.
Variant type: single nucleotide variant.
Coding change: c.395A>T on transcript NM_000458.4 (MANE Select); coding-DNA position 395, A replaced by T.
Protein change: p.His132Leu; replaces histidine 132 with leucine.
Molecular consequence: missense variant.
Genome position (GRCh38, 1-based): chr17:37,739,589, T>A on the plus strand (A>T on the coding strand, the complement: HNF1B is on the minus strand). VCF-style: chr17-37739589-T-A. GRCh37 (hg19) VCF-style: chr17-36099580-T-A.
Other names: c.395A>T, p.His132Leu (NM_001165923.4, NM_001304286.2, NM_001411100.1); short protein forms H132L.
Identifiers: ClinVar variation 3235239 (VCV003235239.1), dbSNP rs2511829635.
Genomic context (GRCh38, chr17:37,739,589, plus strand): 5'-TGGGAGAGGTGCGACTGGTTCAGGCCGGTGACATCGACCACCTCCCTCTGGGGGATGTTG[T>A]GTTGCTGCATGTAACCCTTGATCATTTTAGCAGCCCTCCAAGGGTCCTCACTAGACAGAC-3'
Protein context (NP_000449.1, residues 122-142): AKMIKGYMQQ[His132Leu]NIPQREVVDV

ClinVar aggregate classification (germline): Likely pathogenic (1 of 4 stars; one submission).

Conditions:
Renal cysts and diabetes syndrome (RCAD). Also called: MATURITY-ONSET DIABETES OF THE YOUNG, TYPE 5; Familial hypoplastic, glomerulocystic kidney. Identifiers: Orphanet 93111, MedGen C0431693, MONDO:0007669, OMIM 137920.

Submission:

MVZ Medizinische Genetik Mainz
Classification: Likely pathogenic for Renal cysts and diabetes syndrome. Last evaluated: 2022-01-13. Review status: criteria provided, single submitter. Criteria: UK Practice Guidelines For Variant Classification V4 01 2020. Collection method: clinical testing. Allele origin: germline. Inheritance: Autosomal dominant inheritance. Affected: yes. Observed: 1 variant allele.
Comment: ACMG Criteria: PM5, PM6, PM2_SUP, PP3, PP4